The following is an entry in ClinVar:

ClinVar aggregate classification (germline): Pathogenic. Review status: criteria provided, single submitter (1 of 4 stars). 3 submissions from 3 submitters: Pathogenic (1). 2 of the submissions do not count toward it. Last evaluated 2024-04-25.

Conditions:
Perrault syndrome. Also called: Gonadal dysgenesis with auditory dysfunction, autosomal recessive inheritance. Identifiers: Orphanet 2855, MedGen C0685838, MONDO:0017312.
Perrault syndrome 5 (PRLTS5). Identifiers: Orphanet 2855, MedGen C4015307, MONDO:0014504, OMIM 616138.

Allele frequency attached by ClinVar (database versions not stated): gnomAD exomes below 0.00001; gnomAD 0.00001; TOPMed 0.00001.
gnomAD v4.1: 4 of 1,614,008 alleles (0.00025%); highest among the groups gnomAD compares: Non-Finnish European, 0.00034%; no homozygotes.

Submissions (3):

Labcorp Genetics (formerly Invitae), Labcorp
Classification: Pathogenic. Last evaluated: 2024-04-25. Review status: criteria provided, single submitter. Criteria: Invitae Variant Classification Sherloc (09022015). Collection method: clinical testing. Allele origin: germline.
Comment: This sequence change replaces tryptophan, which is neutral and slightly polar, with glycine, which is neutral and non-polar, at codon 441 of the TWNK protein (p.Trp441Gly). This variant is present in population databases (rs672601361, gnomAD 0.0009%). This missense change has been observed in individual(s) with autosomal recessive Perrault syndrome (PMID: 25355836). In at least one individual the data is consistent with being in trans (on the opposite chromosome) from a pathogenic variant. It has also been observed to segregate with disease in related individuals. ClinVar contains an entry for this variant (Variation ID: 162050). Advanced modeling of protein sequence and biophysical properties (such as structural, functional, and spatial information, amino acid conservation, physicochemical variation, residue mobility, and thermodynamic stability) performed at Invitae indicates that this missense variant is expected to disrupt TWNK protein function with a positive predictive value of 95%. For these reasons, this variant has been classified as Pathogenic.

OMIM
Classification: Pathogenic for PERRAULT SYNDROME 5. Last evaluated: 2014-11-25. Review status: no assertion criteria provided. Collection method: literature only. Allele origin: germline. Not counted in ClinVar's aggregate classification.

GeneReviews
No classification provided. Condition: Perrault syndrome. Review status: no classification provided. Collection method: literature only. Allele origin: germline. Not counted in ClinVar's aggregate classification.

Literature cited by the submitters: PubMed 25355836 (cited by 3 submitters).

NM_021830.5(TWNK):c.1321T>G (p.Trp441Gly)

Gene: TWNK (twinkle mtDNA helicase; plus strand). Cytogenetic location: 10q24.31.
Variant type: single nucleotide variant.
Coding change: c.1321T>G on transcript NM_021830.5 (MANE Select); coding-DNA position 1321, T replaced by G.
Protein change: p.Trp441Gly; replaces tryptophan 441 with glycine.
Molecular consequence: missense variant. On other transcripts: 5 prime UTR variant (3), non-coding transcript variant (5).
Genome position (GRCh38, 1-based): chr10:100,989,721, T>G. VCF-style: chr10-100989721-T-G. GRCh37 (hg19) VCF-style: chr10-102749478-T-G.
Other names: c.1321T>G, p.Trp441Gly (NM_001163812.2); c.-42T>G (NM_001163813.2, NM_001163814.2, NM_001368275.1); short protein forms W441G.
Identifiers: ClinVar variation 162050 (VCV000162050.5), dbSNP rs672601361, ClinGen allele CA174964.